The following is an entry in ClinVar:

ClinVar aggregate classification (germline): Uncertain significance (1 of 4 stars; one submission).

Conditions:
Tooth agenesis, selective, 2. Also called: STHAG2; HYPODONTIA/OLIGODONTIA 2. Identifiers: MedGen C1865092, MONDO:0011265, OMIM 602639.

Allele frequency attached by ClinVar (database versions not stated): gnomAD exomes below 0.00001.
gnomAD v4.1: 2 of 1,614,002 alleles (0.00012%); highest among the groups gnomAD compares: East Asian, 0.0045%; no homozygotes.

Submission:

Stomatology Center, Xiangya Hospital, Central South University
Classification: Uncertain significance for Tooth agenesis, selective, 2. Last evaluated: 2023-04-04. Review status: criteria provided, single submitter. Criteria: ACMG Guidelines, 2015. Collection method: research. Allele origin: maternal. Inheritance: Autosomal dominant inheritance. Affected: yes. Observed: 1 heterozygote.
Comment: The WES revealed a hemizygous EDA variant c.466C>T p.(Arg156Cys) and a novel heterozygous EVC2 variant c.1772T>C p.(Leu591Ser). Prediction of secondary and tertiary structures of the EVC2 variant p.(Leu591Ser) indicated the impaired function of the molecule. As EVC2 is a positive regulator of Sonic Hedgehog (Shh) signaling pathway, we speculate that the EVC2 variant p.(Leu591Ser) may play a synergistic role in the oligodontia phenotype of HED, thereby exacerbating the oligodontia phenotype.

NM_147127.5(EVC2):c.2012T>C (p.Leu671Ser)

Gene: EVC2 (EvC ciliary complex subunit 2; minus strand). Cytogenetic location: 4p16.2.
Variant type: single nucleotide variant.
Coding change: c.2012T>C on transcript NM_147127.5 (MANE Select); coding-DNA position 2012, T replaced by C.
Protein change: p.Leu671Ser; replaces leucine 671 with serine.
Molecular consequence: missense variant.
Genome position (GRCh38, 1-based): chr4:5,625,783, A>G on the plus strand (T>C on the coding strand, the complement: EVC2 is on the minus strand). VCF-style: chr4-5625783-A-G. GRCh37 (hg19) VCF-style: chr4-5627510-A-G.
Other names: c.1772T>C, p.Leu591Ser (NM_001166136.2); short protein forms L591S, L671S.
Identifiers: ClinVar variation 2498334 (VCV002498334.3), dbSNP rs1346675689, ClinGen allele CA356145906.